The following is an entry in ClinVar:

NM_006648.4(WNK2):c.2765C>T (p.Thr922Ile)

Gene: WNK2 (WNK lysine deficient protein kinase 2; plus strand). Cytogenetic location: 9q22.31.
Variant type: single nucleotide variant.
Coding change: c.2765C>T on transcript NM_006648.4 (MANE Select); coding-DNA position 2765, C replaced by T.
Protein change: p.Thr922Ile; replaces threonine 922 with isoleucine.
Molecular consequence: missense variant.
Genome position (GRCh38, 1-based): chr9:93,259,313, C>T. VCF-style: chr9-93259313-C-T. GRCh37 (hg19) VCF-style: chr9-96021595-C-T.
Other names: c.2765C>T, p.Thr922Ile (NM_001282394.3); short protein forms T922I.
Identifiers: ClinVar variation 4866744 (VCV004866744.1).

ClinVar aggregate classification (germline): Uncertain significance (1 of 4 stars; one submission).

Submission:

Ambry Genetics
Classification: Uncertain significance. Last evaluated: 2026-06-08. Review status: criteria provided, single submitter. Criteria: Ambry Variant Classification Scheme 2023. Collection method: clinical testing. Allele origin: germline.
Comment: The p.T922I variant (also known as c.2765C>T), located in coding exon 11 of the WNK2 gene, results from a C to T substitution at nucleotide position 2765. The threonine at codon 922 is replaced by isoleucine, an amino acid with similar properties. This amino acid position is conserved. In addition, this alteration is predicted to be tolerated by in silico analysis. Based on the available evidence, the clinical significance of this variant remains unclear.